The following is an entry in ClinVar:

ClinVar aggregate classification (germline): Uncertain significance. Review status: criteria provided, multiple submitters, no conflicts (2 of 4 stars). 2 submissions from 2 submitters: Uncertain significance (2). Last evaluated 2025-05-06.

Conditions:
Inborn genetic diseases. Identifiers: MedGen C0950123, MeSH D030342.

gnomAD v4.1: 91 of 1,604,450 alleles (0.0057%); highest among the groups gnomAD compares: Non-Finnish European, 0.0072%; no homozygotes.

Submissions (2):

GeneDx
Classification: Uncertain significance. Last evaluated: 2025-05-06. Review status: criteria provided, single submitter. Criteria: GeneDx Variant Classification Process June 2021. Collection method: clinical testing. Allele origin: germline. Affected: yes.
Comment: Not observed at significant frequency in large population cohorts (gnomAD); In silico analysis suggests that this missense variant does not alter protein structure/function; Has not been previously published as pathogenic or benign to our knowledge

Ambry Genetics
Classification: Uncertain significance for Inborn genetic diseases. Last evaluated: 2024-10-30. Review status: criteria provided, single submitter. Criteria: Ambry Variant Classification Scheme 2023. Collection method: clinical testing. Allele origin: germline.

NM_006612.6(KIF1C):c.2842C>T (p.Arg948Trp)

Gene: KIF1C (kinesin family member 1C; plus strand). Cytogenetic location: 17p13.2.
Variant type: single nucleotide variant.
Coding change: c.2842C>T on transcript NM_006612.6 (MANE Select); coding-DNA position 2842, C replaced by T.
Protein change: p.Arg948Trp; replaces arginine 948 with tryptophan.
Molecular consequence: missense variant.
Genome position (GRCh38, 1-based): chr17:5,023,681, C>T. VCF-style: chr17-5023681-C-T. GRCh37 (hg19) VCF-style: chr17-4926976-C-T.
Other names: short protein forms R948W.
Identifiers: ClinVar variation 3534104 (VCV003534104.2).